The following is an entry in ClinVar:

ClinVar aggregate classification (germline): Uncertain significance. Review status: criteria provided, multiple submitters, no conflicts (2 of 4 stars). 2 submissions from 2 submitters: Uncertain significance (2). Last evaluated 2026-02-20.

Conditions:
Noonan syndrome 9 (NS9). Identifiers: Orphanet 648, MedGen C4225282, MONDO:0014691, OMIM 616559.

Allele frequency attached by ClinVar (database versions not stated): gnomAD exomes below 0.00001.
gnomAD v4.1: 2 of 1,614,014 alleles (0.00012%); highest among the groups gnomAD compares: South Asian, 0.0011%; no homozygotes.

Submissions (2):

St. Jude Molecular Pathology, St. Jude Children's Research Hospital
Classification: Uncertain significance for Noonan syndrome 9. Last evaluated: 2026-02-20. Review status: criteria provided, single submitter. Criteria: St. Jude Assertion Criteria 2020. Collection method: clinical testing. Allele origin: germline.
Comment: The SOS2 c.280A>G change.Pathogenic variants in SOS2 are associated with Noonan syndrome, a rare autosomal dominant disorder characterized by an increased risk of childhood cancer, congenital heart defects, short stature, and distinctive facial features (OMIM ID: 616559). The SO S2 c.280A>G p.(Ile94Val) missense change is absent in gnomAD v2.1.1. The in silico tool REVEL is inconclusive about a pathogenic or benign effect of this variant on protein function, and to our knowledge functional st udies have not been performed. To our knowledge, this variant has not been reported in individuals with Noonan syndrome. In summary, the evidence currently available is insufficient to determine the clinical significance of this variant. It has therefore been classified as of uncertain significance.

Labcorp Genetics (formerly Invitae), Labcorp
Classification: Uncertain significance for Noonan syndrome 9. Last evaluated: 2025-03-28. Review status: criteria provided, single submitter. Criteria: Invitae Variant Classification Sherloc (09022015). Collection method: clinical testing. Allele origin: germline.
Comment: This sequence change replaces isoleucine, which is neutral and non-polar, with valine, which is neutral and non-polar, at codon 94 of the SOS2 protein (p.Ile94Val). This variant is not present in population databases (gnomAD no frequency). This variant has not been reported in the literature in individuals affected with SOS2-related conditions. ClinVar contains an entry for this variant (Variation ID: 2894885). Invitae Evidence Modeling of protein sequence and biophysical properties (such as structural, functional, and spatial information, amino acid conservation, physicochemical variation, residue mobility, and thermodynamic stability) indicates that this missense variant is not expected to disrupt SOS2 protein function with a negative predictive value of 95%. In summary, the available evidence is currently insufficient to determine the role of this variant in disease. Therefore, it has been classified as a Variant of Uncertain Significance.

NM_006939.4(SOS2):c.280A>G (p.Ile94Val)

Gene: SOS2 (SOS Ras/Rho guanine nucleotide exchange factor 2; minus strand). Cytogenetic location: 14q21.3.
Variant type: single nucleotide variant.
Coding change: c.280A>G on transcript NM_006939.4 (MANE Select); coding-DNA position 280, A replaced by G.
Protein change: p.Ile94Val; replaces isoleucine 94 with valine.
Molecular consequence: missense variant.
Genome position (GRCh38, 1-based): chr14:50,201,018, T>C on the plus strand (A>G on the coding strand, the complement: SOS2 is on the minus strand). VCF-style: chr14-50201018-T-C. GRCh37 (hg19) VCF-style: chr14-50667736-T-C.
Other names: c.280A>G, p.Ile94Val (NM_001411020.1); short protein forms I94V.
Identifiers: ClinVar variation 2894885 (VCV002894885.4), dbSNP rs2503193412, ClinGen allele CA389650108.